The following is an entry in ClinVar:

NM_015272.5(RPGRIP1L):c.2712G>T (p.Lys904Asn)

Gene: RPGRIP1L (RPGRIP1 like; minus strand). Cytogenetic location: 16q12.2.
Variant type: single nucleotide variant.
Coding change: c.2712G>T on transcript NM_015272.5 (MANE Select); coding-DNA position 2712, G replaced by T.
Protein change: p.Lys904Asn; replaces lysine 904 with asparagine.
Molecular consequence: missense variant.
Genome position (GRCh38, 1-based): chr16:53,641,447, C>A on the plus strand (G>T on the coding strand, the complement: RPGRIP1L is on the minus strand). VCF-style: chr16-53641447-C-A. GRCh37 (hg19) VCF-style: chr16-53675359-C-A.
Other names: c.2712G>T (NM_015272.4); c.2712G>T, p.Lys904Asn (NM_001127897.4, NM_001308334.3, NM_001330538.2); short protein forms K904N.
Identifiers: ClinVar variation 4156448 (VCV004156448.2).

ClinVar aggregate classification (germline): Uncertain significance. Review status: criteria provided, multiple submitters, no conflicts (2 of 4 stars). 2 submissions from 2 submitters: Uncertain significance (2). Last evaluated 2026-08-06.

Conditions:
RPGRIP1L-related disorder. Also called: RPGRIP1L-related condition; RPGRIP1L-related disorders. Identifiers: MedGen CN239416.
Inborn genetic diseases. Identifiers: MedGen C0950123, MeSH D030342.

gnomAD v4.1: 117 of 1,613,698 alleles (0.0073%); highest among the groups gnomAD compares: Non-Finnish European, 0.0097%; no homozygotes.

Submissions (2):

PreventionGenetics, part of Exact Sciences
Classification: Uncertain significance for RPGRIP1L-related condition. Last evaluated: 2026-08-06. Review status: criteria provided, single submitter. Criteria: ACMG Guidelines, 2015. Collection method: clinical testing. Allele origin: germline.
Comment: The RPGRIP1L c.2712G>T variant is predicted to result in the amino acid substitution p.Lys904Asn. To our knowledge, this variant has not been reported in the literature. This variant is reported in 0.0016% of alleles in individuals of European (Non-Finnish) descent in gnomAD. At this time, the clinical significance of this variant is uncertain due to the absence of conclusive functional and genetic evidence.

Ambry Genetics
Classification: Uncertain significance for Inborn genetic diseases. Last evaluated: 2025-08-22. Review status: criteria provided, single submitter. Criteria: Ambry Variant Classification Scheme 2023. Collection method: clinical testing. Allele origin: germline.